The following is an entry in ClinVar:

ClinVar aggregate classification (germline): Likely benign. Review status: criteria provided, multiple submitters, no conflicts (2 of 4 stars). 2 submissions from 2 submitters: Likely benign (2). Last evaluated 2026-03-11.

Conditions:
CHRNG-related disorder. Also called: CHRNG-related condition; CHRNG-related disorders.

Allele frequency attached by ClinVar (database versions not stated): ExAC 0.00003; gnomAD exomes 0.00004; ESP Exome Variant Server 0.00015; gnomAD 0.00016; 1000 Genomes Project 0.00040; TOPMed 0.00016; 1000 Genomes Project 30x 0.00031.
gnomAD v4.1: 79 of 1,613,902 alleles (0.0049%); highest among the groups gnomAD compares: African/African-American, 0.053%; no homozygotes.

Submissions (2):

PreventionGenetics, part of Exact Sciences
Classification: Likely benign for CHRNG-related condition. Last evaluated: 2026-03-11. Review status: criteria provided, single submitter. Criteria: ACMG Guidelines, 2015. Collection method: clinical testing. Allele origin: germline.
Comment: This variant is classified as likely benign based on ACMG/AMP sequence variant interpretation guidelines (Richards et al. 2015 PMID: 25741868, with internal and published modifications).

Labcorp Genetics (formerly Invitae), Labcorp
Classification: Likely benign. Last evaluated: 2024-03-05. Review status: criteria provided, single submitter. Criteria: Invitae Variant Classification Sherloc (09022015). Collection method: clinical testing. Allele origin: germline.

NM_005199.5(CHRNG):c.21G>A (p.Pro7=)

Gene: CHRNG (cholinergic receptor nicotinic gamma subunit; plus strand). Cytogenetic location: 2q37.1.
Variant type: single nucleotide variant.
Coding change: c.21G>A on transcript NM_005199.5 (MANE Select); coding-DNA position 21, G replaced by A.
Protein change: p.Pro7=; no amino-acid change (proline 7 retained).
Molecular consequence: synonymous variant.
Genome position (GRCh38, 1-based): chr2:232,539,768, G>A. VCF-style: chr2-232539768-G-A. GRCh37 (hg19) VCF-style: chr2-233404478-G-A.
Other names: c.21G>A (NM_005199.4).
Identifiers: ClinVar variation 2981209 (VCV002981209.4), dbSNP rs138991640, ClinGen allele CA2168463.
Genomic context (GRCh38, chr2:232,539,768, plus strand): 5'-CTGTTGTCCCACCCCTGTCACTGCAGAGAGCTGAGGCACCATGCATGGGGGCCAGGGGCC[G>A]CTGCTCCTCCTGCTGCTGCTGGCTGTCTGCCTGGGTGGGACACAAAGGAATCTCAGCCTG-3'
Protein context (NP_005190.4, residues 1-17): MHGGQG[Pro7=]LLLLLLLAVC